The following is an entry in ClinVar:

NM_007294.4(BRCA1):c.729T>G (p.Asn243Lys)

Gene: BRCA1 (BRCA1 DNA repair associated; minus strand). Cytogenetic location: 17q21.31.
Variant type: single nucleotide variant.
Coding change: c.729T>G on transcript NM_007294.4 (MANE Select); coding-DNA position 729, T replaced by G.
Protein change: p.Asn243Lys; replaces asparagine 243 with lysine.
Molecular consequence: missense variant. On other transcripts: non-coding transcript variant (1).
Genome position (GRCh38, 1-based): chr17:43,094,802, A>C on the plus strand (T>G on the coding strand, the complement: BRCA1 is on the minus strand). VCF-style: chr17-43094802-A-C. GRCh37 (hg19) VCF-style: chr17-41246819-A-C.
Other names: p.N243K:AAT>AAG; c.516T>G, p.Asn172Lys (NM_001407571.1, NM_001407853.1, NM_001407894.1 and 12 more transcripts); c.729T>G, p.Asn243Lys (NM_001407581.1, NM_001407582.1, NM_001407583.1 and 54 more transcripts); c.726T>G, p.Asn242Lys (NM_001407587.1, NM_001407590.1, NM_001407591.1 and 38 more transcripts); c.720T>G, p.Asn240Lys (NM_001407646.1, NM_001407647.1, NM_001408408.1); c.606T>G, p.Asn202Lys (NM_001407648.1, NM_001407664.1, NM_001407665.1 and 34 more transcripts); c.603T>G, p.Asn201Lys (NM_001407649.1, NM_001407670.1, NM_001407671.1 and 20 more transcripts); c.651T>G, p.Asn217Lys (NM_001407653.1, NM_001407654.1, NM_001407655.1 and 9 more transcripts); and 15 more; short protein forms N243K, N196K, N115K, N154K, N201K, N202K, N217K, N116K.
Identifiers: ClinVar variation 182126 (VCV000182126.23), dbSNP rs730881467, ClinGen allele CA003838.

ClinVar aggregate classification (germline): Conflicting classifications of pathogenicity. Review status: criteria provided, conflicting classifications (1 of 4 stars). 6 submissions from 6 submitters: Uncertain significance (5); Likely benign (1). Last evaluated 2025-03-27.

Conditions:
Hereditary breast ovarian cancer syndrome. Also called: Hereditary breast and ovarian cancer syndrome; Hereditary breast and ovarian cancer syndrome (HBOC); BRCA1- and BRCA2-Associated Hereditary Breast and Ovarian Cancer; Breast and ovarian cancer; Hereditary breast and ovarian cancer; Hereditary breast and/or ovarian cancer syndrome. Identifiers: Orphanet 145, MedGen C0677776, MeSH D061325, MONDO:0003582. Disease mechanism: loss of function.
Breast-ovarian cancer, familial, susceptibility to, 1 (BROVCA1). Also called: OVARIAN CANCER, SUSCEPTIBILITY TO; BRCA1 Hereditary Breast and Ovarian Cancer. Identifiers: Orphanet 145, MedGen C2676676, MONDO:0011450, OMIM 604370. Disease mechanism: loss of function.
Hereditary cancer-predisposing syndrome. Also called: Hereditary Cancer Syndrome; Hereditary neoplastic syndrome; Tumor predisposition; Neoplastic Syndromes, Hereditary. Identifiers: Orphanet 140162, MedGen C0027672, MeSH D009386, MONDO:0015356.

Allele frequency attached by ClinVar (database versions not stated): TOPMed below 0.00001; gnomAD 0.00001.
gnomAD v4.1: 1 of 1,613,420 alleles (0.000062%); highest among the groups gnomAD compares: Non-Finnish European, 0.000085%; no homozygotes.

Submissions (6):

Ambry Genetics
Classification: Uncertain significance for Hereditary cancer-predisposing syndrome. Last evaluated: 2025-03-27. Review status: criteria provided, single submitter. Criteria: Ambry Variant Classification Scheme 2023. Collection method: clinical testing. Allele origin: germline.
Comment: The p.N243K variant (also known as c.729T>G), located in coding exon 9 of the BRCA1 gene, results from a T to G substitution at nucleotide position 729. The asparagine at codon 243 is replaced by lysine, an amino acid with similar properties. This amino acid position is not well conserved in available vertebrate species. In addition, the in silico prediction for this alteration is inconclusive. Based on the available evidence, the clinical significance of this variant remains unclear.

Labcorp Genetics (formerly Invitae), Labcorp
Classification: Uncertain significance for Hereditary breast ovarian cancer syndrome. Last evaluated: 2024-03-26. Review status: criteria provided, single submitter. Criteria: Invitae Variant Classification Sherloc (09022015). Collection method: clinical testing. Allele origin: germline.
Comment: This sequence change replaces asparagine, which is neutral and polar, with lysine, which is basic and polar, at codon 243 of the BRCA1 protein (p.Asn243Lys). This variant is not present in population databases (gnomAD no frequency). This variant has not been reported in the literature in individuals affected with BRCA1-related conditions. ClinVar contains an entry for this variant (Variation ID: 182126). Advanced modeling of protein sequence and biophysical properties (such as structural, functional, and spatial information, amino acid conservation, physicochemical variation, residue mobility, and thermodynamic stability) performed at Invitae indicates that this missense variant is not expected to disrupt BRCA1 protein function with a negative predictive value of 95%. In summary, the available evidence is currently insufficient to determine the role of this variant in disease. Therefore, it has been classified as a Variant of Uncertain Significance.

All of Us Research Program, National Institutes of Health
Classification: Uncertain significance for Breast-ovarian cancer, familial, susceptibility to, 1. Last evaluated: 2023-05-04. Review status: criteria provided, single submitter. Criteria: ACMG Guidelines, 2015. Collection method: clinical testing. Allele origin: germline. Inheritance: Autosomal dominant inheritance. Observed: 1 variant allele, 1 heterozygote.
Comment: This missense variant replaces asparagine with lysine at codon 243 of the BRCA1 protein. Computational prediction suggests that this variant may not impact protein structure and function (internally defined REVEL score threshold <= 0.5, PMID: 27666373). To our knowledge, functional studies have not been reported for this variant. This variant has not been reported in individuals affected with BRCA1-related disorders in the literature. This variant has not been identified in the general population by the Genome Aggregation Database (gnomAD). The available evidence is insufficient to determine the role of this variant in disease conclusively. Therefore, this variant is classified as a Variant of Uncertain Significance.

This study involves interpretation of variants in research participants for the purpose of population health screening. Participant phenotype was not available at the time of variant classification. Additional details can be found in publication PMID: 35346344, PMCID: PMC8962531

Color Diagnostics, LLC DBA Color Health
Classification: Uncertain significance for Hereditary cancer-predisposing syndrome. Last evaluated: 2023-03-31. Review status: criteria provided, single submitter. Criteria: ACMG Guidelines, 2015. Collection method: clinical testing. Allele origin: germline.
Comment: This missense variant replaces asparagine with lysine at codon 243 of the BRCA1 protein. Computational prediction suggests that this variant may not impact protein structure and function (internally defined REVEL score threshold <= 0.5, PMID: 27666373). To our knowledge, functional studies have not been reported for this variant. This variant has not been reported in individuals affected with BRCA1-related disorders in the literature. This variant has not been identified in the general population by the Genome Aggregation Database (gnomAD). The available evidence is insufficient to determine the role of this variant in disease conclusively. Therefore, this variant is classified as a Variant of Uncertain Significance.

University of Washington Department of Laboratory Medicine, University of Washington
Classification: Likely benign for Hereditary cancer-predisposing syndrome. Last evaluated: 2023-03-23. Review status: criteria provided, single submitter. Criteria: Dines et al. (Genet Med. 2020). Collection method: curation. Allele origin: germline.
Comment: Missense variant in a coldspot region where missense variants are very unlikely to be pathogenic (PMID:31911673).

BRCA1 coldspot (exon 11 using historical exon numbering). Reclassification based on statistical prior probability

GeneDx
Classification: Uncertain significance. Last evaluated: 2021-11-26. Review status: criteria provided, single submitter. Criteria: GeneDx Variant Classification Process June 2021. Collection method: clinical testing. Allele origin: germline. Affected: yes.
Comment: Not observed at significant frequency in large population cohorts (Lek 2016); In silico analysis supports that this missense variant does not alter protein structure/function; Has not been previously published as pathogenic or benign to our knowledge; Also known as 848T>G; This variant is associated with the following publications: (PMID: 20215511, 9788437, 9926942, 9582019)